The following is an entry in ClinVar:

ClinVar aggregate classification (germline): Uncertain significance (1 of 4 stars; one submission).

gnomAD v4.1: 3 of 1,558,258 alleles (0.00019%); highest among the groups gnomAD compares: Non-Finnish European, 0.00026%; no homozygotes.

Submission:

GeneDx
Classification: Uncertain significance. Last evaluated: 2024-05-01. Review status: criteria provided, single submitter. Criteria: GeneDx Variant Classification Process June 2021. Collection method: clinical testing. Allele origin: germline. Affected: yes.
Comment: Not observed at significant frequency in large population cohorts (gnomAD); In silico analysis supports that this missense variant has a deleterious effect on protein structure/function; Has not been previously published as pathogenic or benign to our knowledge

NM_006766.5(KAT6A):c.1703A>G (p.Asn568Ser)

Gene: KAT6A (lysine acetyltransferase 6A; minus strand). Cytogenetic location: 8p11.21.
Variant type: single nucleotide variant.
Coding change: c.1703A>G on transcript NM_006766.5 (MANE Select); coding-DNA position 1703, A replaced by G.
Protein change: p.Asn568Ser; replaces asparagine 568 with serine.
Molecular consequence: missense variant.
Genome position (GRCh38, 1-based): chr8:41,949,259, T>C on the plus strand (A>G on the coding strand, the complement: KAT6A is on the minus strand). VCF-style: chr8-41949259-T-C. GRCh37 (hg19) VCF-style: chr8-41806777-T-C.
Other names: c.1703A>G, p.Asn568Ser (NM_001305878.2); short protein forms N568S.
Identifiers: ClinVar variation 3375970 (VCV003375970.1).